The following is an entry in ClinVar:

NM_003392.7(WNT5A):c.541G>A (p.Gly181Ser)

Gene: WNT5A (Wnt family member 5A; minus strand). Cytogenetic location: 3p14.3.
Variant type: single nucleotide variant.
Coding change: c.541G>A on transcript NM_003392.7 (MANE Select); coding-DNA position 541, G replaced by A.
Protein change: p.Gly181Ser; replaces glycine 181 with serine.
Molecular consequence: missense variant.
Genome position (GRCh38, 1-based): chr3:55,474,480, C>T on the plus strand (G>A on the coding strand, the complement: WNT5A is on the minus strand). VCF-style: chr3-55474480-C-T. GRCh37 (hg19) VCF-style: chr3-55508508-C-T.
Other names: c.496G>A, p.Gly166Ser (NM_001377271.1, NM_001377272.1, NM_001256105.1); short protein forms G166S, G181S.
Identifiers: ClinVar variation 3609353 (VCV003609353.2).

ClinVar aggregate classification (germline): Uncertain significance (1 of 4 stars; one submission).

gnomAD v4.1: 6 of 1,600,508 alleles (0.00037%); highest among the groups gnomAD compares: South Asian, 0.0034%; no homozygotes.

Submission:

Labcorp Genetics (formerly Invitae), Labcorp
Classification: Uncertain significance. Last evaluated: 2024-10-31. Review status: criteria provided, single submitter. Criteria: Invitae Variant Classification Sherloc (09022015). Collection method: clinical testing. Allele origin: germline.
Comment: This sequence change replaces glycine, which is neutral and non-polar, with serine, which is neutral and polar, at codon 181 of the WNT5A protein (p.Gly181Ser). The frequency data for this variant in the population databases is considered unreliable, as metrics indicate poor data quality at this position in the gnomAD database. This variant has not been reported in the literature in individuals affected with WNT5A-related conditions. Invitae Evidence Modeling of protein sequence and biophysical properties (such as structural, functional, and spatial information, amino acid conservation, physicochemical variation, residue mobility, and thermodynamic stability) indicates that this missense variant is expected to disrupt WNT5A protein function with a positive predictive value of 80%. In summary, the available evidence is currently insufficient to determine the role of this variant in disease. Therefore, it has been classified as a Variant of Uncertain Significance.